The following is an entry in ClinVar:

NM_201384.3(PLEC):c.6265G>A (p.Ala2089Thr)

Gene: PLEC (plectin; minus strand). Cytogenetic location: 8q24.3.
Variant type: single nucleotide variant.
Coding change: c.6265G>A on transcript NM_201384.3 (MANE Select); coding-DNA position 6265, G replaced by A.
Protein change: p.Ala2089Thr; replaces alanine 2089 with threonine.
Molecular consequence: missense variant.
Genome position (GRCh38, 1-based): chr8:143,923,664, C>T on the plus strand (G>A on the coding strand, the complement: PLEC is on the minus strand). VCF-style: chr8-143923664-C-T. GRCh37 (hg19) VCF-style: chr8-144997832-C-T.
Other names: c.6346G>A, p.Ala2116Thr (NM_000445.5); c.6223G>A, p.Ala2075Thr (NM_201378.4); c.6199G>A, p.Ala2067Thr (NM_201379.3); c.6676G>A, p.Ala2226Thr (NM_201380.4); c.6169G>A, p.Ala2057Thr (NM_201381.3); c.6265G>A, p.Ala2089Thr (NM_201382.4); c.6277G>A, p.Ala2093Thr (NM_201383.3); short protein forms A2057T, A2075T, A2089T, A2116T, A2226T, A2067T, A2093T.
Identifiers: ClinVar variation 862671 (VCV000862671.7), dbSNP rs1554693583, ClinGen allele CA372537483.
Genomic context (GRCh38, chr8:143,923,664, plus strand): 5'-GCCGGGACTGCGCCGCCTCACGCTCCGCCTGCACCCGGGCCTCCTCCGCCTCCTCAGCCG[C>T]CCGCCGGGCCGCCTCCGCCTCGCCGCGCAGCTGGTCCAGCACGCTCTGCTCCTGCTGCAG-3'
Protein context (NP_958786.1, residues 2079-2099): LRGEAEAARR[Ala2089Thr]AEEAEEARVQ

ClinVar aggregate classification (germline): Uncertain significance (1 of 4 stars; one submission).

Conditions:
Epidermolysis bullosa simplex 5B, with muscular dystrophy (EBS5B). Also called: EPIDERMOLYSIS BULLOSA SIMPLEX AND LIMB-GIRDLE MUSCULAR DYSTROPHY; Epidermolysis bullosa simplex with muscular dystrophy. Identifiers: Orphanet 257, MedGen C2931072, MONDO:0009181, OMIM 226670.
Epidermolysis bullosa simplex, Ogna type (EBS5A). Also called: Pidermolysis bullosa simplex 5A, Ogna type; EPIDERMOLYSIS BULLOSA SIMPLEX 5A, OGNA TYPE. Identifiers: Orphanet 79401, MedGen C0432317, MONDO:0007555, OMIM 131950.
Epidermolysis bullosa simplex 5C, with pyloric atresia (EBS5C). Also called: PLEC1-Related Epidermolysis Bullosa with Pyloric Atresia; PLEC-Related Epidermolysis Bullosa with Pyloric Atresia; Epidermolysis bullosa simplex with pyloric atresia. Identifiers: Orphanet 158684, MedGen C2677349, MONDO:0012807, OMIM 612138.
Autosomal recessive limb-girdle muscular dystrophy type 2Q (LGMDR17). Also called: MUSCULAR DYSTROPHY, LIMB-GIRDLE, AUTOSOMAL RECESSIVE 17. Identifiers: Orphanet 254361, MedGen C3150989, MONDO:0013390, OMIM 613723.
Epidermolysis bullosa simplex with nail dystrophy (EBS5D). Identifiers: MedGen C4225309, MONDO:0014661, OMIM 616487.

Allele frequency attached by ClinVar (database versions not stated): gnomAD exomes below 0.00001 and 0.00001.
gnomAD v4.1: 4 of 1,561,422 alleles (0.00026%); highest among the groups gnomAD compares: East Asian, 0.0095%; no homozygotes.

Submission:

Labcorp Genetics (formerly Invitae), Labcorp
Classification: Uncertain significance for Autosomal recessive limb-girdle muscular dystrophy type 2Q; Epidermolysis bullosa simplex, Ogna type; Epidermolysis bullosa simplex with nail dystrophy; Epidermolysis bullosa simplex 5C, with pyloric atresia; Epidermolysis bullosa simplex 5B, with muscular dystrophy. Last evaluated: 2022-07-06. Review status: criteria provided, single submitter. Criteria: Invitae Variant Classification Sherloc (09022015). Collection method: clinical testing. Allele origin: germline.
Comment: This variant has not been reported in the literature in individuals affected with PLEC-related conditions. This sequence change replaces alanine, which is neutral and non-polar, with threonine, which is neutral and polar, at codon 2116 of the PLEC protein (p.Ala2116Thr). This variant is present in population databases (no rsID available, gnomAD 0.02%). ClinVar contains an entry for this variant (Variation ID: 862671). Algorithms developed to predict the effect of missense changes on protein structure and function (SIFT, PolyPhen-2, Align-GVGD) all suggest that this variant is likely to be tolerated. In summary, the available evidence is currently insufficient to determine the role of this variant in disease. Therefore, it has been classified as a Variant of Uncertain Significance.